The following is an entry in ClinVar:

NM_005502.4(ABCA1):c.1826C>T (p.Thr609Met)

Gene: ABCA1 (ATP binding cassette subfamily A member 1; minus strand). Cytogenetic location: 9q31.1.
Variant type: single nucleotide variant.
Coding change: c.1826C>T on transcript NM_005502.4 (MANE Select); coding-DNA position 1826, C replaced by T.
Protein change: p.Thr609Met; replaces threonine 609 with methionine.
Molecular consequence: missense variant.
Genome position (GRCh38, 1-based): chr9:104,830,991, G>A on the plus strand (C>T on the coding strand, the complement: ABCA1 is on the minus strand). VCF-style: chr9-104830991-G-A. GRCh37 (hg19) VCF-style: chr9-107593272-G-A.
Other names: short protein forms T609M.
Identifiers: ClinVar variation 1780849 (VCV001780849.2), dbSNP rs755276277, ClinGen allele CA5168898.

ClinVar aggregate classification (germline): Uncertain significance (1 of 4 stars; one submission).

Conditions:
Cardiovascular phenotype. Identifiers: MedGen CN230736.

Allele frequency attached by ClinVar (database versions not stated): gnomAD 0.00002; ExAC 0.00003; TOPMed 0.00005.
gnomAD v4.1: 84 of 1,613,680 alleles (0.0052%); highest among the groups gnomAD compares: Non-Finnish European, 0.0064%; no homozygotes.

Submission:

Ambry Genetics
Classification: Uncertain significance for Cardiovascular phenotype. Last evaluated: 2021-10-06. Review status: criteria provided, single submitter. Criteria: Ambry Variant Classification Scheme 2023. Collection method: clinical testing. Allele origin: germline.
Comment: The p.T609M variant (also known as c.1826C>T), located in coding exon 13 of the ABCA1 gene, results from a C to T substitution at nucleotide position 1826. The threonine at codon 609 is replaced by methionine, an amino acid with similar properties. This amino acid position is conserved. In addition, this alteration is predicted to be deleterious by in silico analysis. Since supporting evidence is limited at this time, the clinical significance of this alteration remains unclear.